The following is an entry in ClinVar:

NM_000059.4(BRCA2):c.9364G>T (p.Ala3122Ser)

Gene: BRCA2 (BRCA2 DNA repair associated; plus strand). Cytogenetic location: 13q13.1.
Variant type: single nucleotide variant.
Coding change: c.9364G>T on transcript NM_000059.4 (MANE Select); coding-DNA position 9364, G replaced by T.
Protein change: p.Ala3122Ser; replaces alanine 3122 with serine.
Molecular consequence: missense variant. On other transcripts: non-coding transcript variant (1).
Genome position (GRCh38, 1-based): chr13:32,394,796, G>T. VCF-style: chr13-32394796-G-T. GRCh37 (hg19) VCF-style: chr13-32968933-G-T.
Other names: c.9268G>T, p.Ala3090Ser (NM_001406719.1); c.9313G>T, p.Ala3105Ser (NM_001406720.1); c.4432G>T, p.Ala1478Ser (NM_001406721.1); c.2947G>T, p.Ala983Ser (NM_001406722.1); c.9364G>T, p.Ala3122Ser (NM_001432077.1); short protein forms A1478S, A983S, A3090S, A3105S, A3122S.
Identifiers: ClinVar variation 3825386 (VCV003825386.1).

ClinVar aggregate classification (germline): Uncertain significance (1 of 4 stars; one submission).

Conditions:
Hereditary cancer-predisposing syndrome. Also called: Hereditary neoplastic syndrome; Neoplastic Syndromes, Hereditary; Tumor predisposition; Hereditary Cancer Syndrome. Identifiers: Orphanet 140162, MedGen C0027672, MeSH D009386, MONDO:0015356.

Submission:

Ambry Genetics
Classification: Uncertain significance for Hereditary cancer-predisposing syndrome. Last evaluated: 2024-12-13. Review status: criteria provided, single submitter. Criteria: Ambry Variant Classification Scheme 2023. Collection method: clinical testing. Allele origin: germline.
Comment: The p.A3122S variant (also known as c.9364G>T), located in coding exon 24 of the BRCA2 gene, results from a G to T substitution at nucleotide position 9364. The alanine at codon 3122 is replaced by serine, an amino acid with similar properties. This amino acid position is highly conserved in available vertebrate species. In addition, the in silico prediction for this alteration is inconclusive. Based on the available evidence, the clinical significance of this variant remains unclear.